The following is an entry in ClinVar:

NM_001102564.3(IFT43):c.333A>G (p.Glu111=)

Gene: IFT43 (intraflagellar transport 43; plus strand). Cytogenetic location: 14q24.3.
Variant type: single nucleotide variant.
Coding change: c.333A>G on transcript NM_001102564.3 (MANE Select); coding-DNA position 333, A replaced by G.
Protein change: p.Glu111=; no amino-acid change (glutamic acid 111 retained).
Molecular consequence: synonymous variant. On other transcripts: non-coding transcript variant (2).
Genome position (GRCh38, 1-based): chr14:76,082,332, A>G. VCF-style: chr14-76082332-A-G. GRCh37 (hg19) VCF-style: chr14-76548675-A-G.
Other names: c.348A>G, p.Glu116= (NM_052873.3).
Identifiers: ClinVar variation 4996549 (VCV004996549.1).
Genomic context (GRCh38, chr14:76,082,332, plus strand): 5'-GTTGCCTCTGCCTCTCCTTGCAGATATTCCTATCATTCCGGATCTGGAGGAAGTACAGGA[A>G]GAAGACTTTGTTTTGCAGGTGGCAGCCCCTCCCAGGTAGGTTAAATCAGATATGATTGGG-3'
Protein context (NP_001096034.1, residues 101-121): PIIPDLEEVQ[Glu111=]EDFVLQVAAP

ClinVar aggregate classification (germline): Likely benign (1 of 4 stars; one submission).

Conditions:
IFT43-related disorder. Also called: IFT43-related condition.

Submission:

PreventionGenetics, part of Exact Sciences
Classification: Likely benign for IFT43-related condition. Last evaluated: 2025-12-20. Review status: criteria provided, single submitter. Criteria: ACMG Guidelines, 2015. Collection method: clinical testing. Allele origin: germline.
Comment: This variant is classified as likely benign based on ACMG/AMP sequence variant interpretation guidelines (Richards et al. 2015 PMID: 25741868, with internal and published modifications).